The following is an entry in ClinVar:

NM_207122.2(EXT2):c.964C>T (p.Arg322Cys)

Gene: EXT2 (exostosin glycosyltransferase 2; plus strand). Cytogenetic location: 11p11.2.
Variant type: single nucleotide variant.
Coding change: c.964C>T on transcript NM_207122.2 (MANE Select); coding-DNA position 964, C replaced by T.
Protein change: p.Arg322Cys; replaces arginine 322 with cysteine.
Molecular consequence: missense variant.
Genome position (GRCh38, 1-based): chr11:44,126,840, C>T. VCF-style: chr11-44126840-C-T. GRCh37 (hg19) VCF-style: chr11-44148390-C-T.
Other names: c.964C>T, p.Arg322Cys (NM_001389628.1, NM_001389630.1, NM_001178083.3); c.1063C>T, p.Arg355Cys (NM_000401.3); short protein forms R322C, R355C.
Identifiers: ClinVar variation 1990493 (VCV001990493.4), dbSNP rs749297206, ClinGen allele CA5955062.
Genomic context (GRCh38, chr11:44,126,840, plus strand): 5'-TAGTTTGTAATCTCTTGCCTCTTTGTGTTCCTGCAGGAGGCTACTTTCTGTGTGGTTCTT[C>T]GTGGAGCTCGGCTGGGCCAGGCAGTATTGAGCGATGTGTTACAAGCTGGCTGTGTCCCGG-3'
Protein context (NP_997005.1, residues 312-332): LQEATFCVVL[Arg322Cys]GARLGQAVLS

ClinVar aggregate classification (germline): Uncertain significance (1 of 4 stars; one submission).

Conditions:
Exostoses, multiple, type 2 (EXT2). Also called: Hereditary Multiple Osteochondromatosis, Type II; EXOSTOSES, MULTIPLE, TYPE II. Identifiers: Orphanet 321, MedGen C1851413, MONDO:0007586, OMIM 133701.

Allele frequency attached by ClinVar (database versions not stated): gnomAD 0.00001; gnomAD exomes 0.00001; TOPMed 0.00001; ExAC 0.00006.
gnomAD v4.1: 16 of 1,613,992 alleles (0.00099%); highest among the groups gnomAD compares: South Asian, 0.011%; 1 homozygote.

Submission:

Labcorp Genetics (formerly Invitae), Labcorp
Classification: Uncertain significance for Exostoses, multiple, type 2. Last evaluated: 2025-04-21. Review status: criteria provided, single submitter. Criteria: Invitae Variant Classification Sherloc (09022015). Collection method: clinical testing. Allele origin: germline.
Comment: This sequence change replaces arginine, which is basic and polar, with cysteine, which is neutral and slightly polar, at codon 322 of the EXT2 protein (p.Arg322Cys). This variant is present in population databases (rs749297206, gnomAD 0.02%), including at least one homozygous and/or hemizygous individual. This variant has not been reported in the literature in individuals affected with EXT2-related conditions. ClinVar contains an entry for this variant (Variation ID: 1990493). Invitae Evidence Modeling of protein sequence and biophysical properties (such as structural, functional, and spatial information, amino acid conservation, physicochemical variation, residue mobility, and thermodynamic stability) has been performed for this missense variant. However, the output from this modeling did not meet the statistical confidence thresholds required to predict the impact of this variant on EXT2 protein function. In summary, the available evidence is currently insufficient to determine the role of this variant in disease. Therefore, it has been classified as a Variant of Uncertain Significance.